The following is an entry in ClinVar:

NM_018897.3(DNAH7):c.4787dup (p.Tyr1596Ter)

Gene: DNAH7 (dynein axonemal heavy chain 7; minus strand). Cytogenetic location: 2q32.3.
Variant type: Duplication.
Coding change: c.4787dup on transcript NM_018897.3 (MANE Select); coding-DNA position 4787, one base duplicated (A; older notation c.4787dupA).
Protein change: p.Tyr1596Ter; replaces tyrosine 1596 with a stop codon.
Molecular consequence: nonsense.
Genome position (GRCh38, 1-based): chr2:195,895,085, T duplicated on the plus strand (A on the coding strand, the reverse complement: DNAH7 is on the minus strand). VCF-style (leftmost placement, unchanged base first): chr2-195895084-A-AT. GRCh37 (hg19) VCF-style: chr2-196759808-A-AT.
Other names: c.4787dup (NM_018897.2); short protein forms Y1596*.
Identifiers: ClinVar variation 727531 (VCV000727531.29), dbSNP rs573013205, ClinGen allele CA2035608.

ClinVar aggregate classification (germline): Conflicting classifications of pathogenicity. Review status: criteria provided, conflicting classifications (1 of 4 stars). 3 submissions from 3 submitters: Likely pathogenic (1); Benign (2). Last evaluated 2026-09-01.

Conditions:
Primary ciliary dyskinesia. Also called: Ciliary dyskinesia. Identifiers: Orphanet 244, MedGen C0008780, MONDO:0016575, HP:0012265.

Allele frequency attached by ClinVar (database versions not stated): 1000 Genomes Project 30x 0.00125; 1000 Genomes Project 0.00140; TOPMed 0.00173; ExAC 0.00224; ESP Exome Variant Server 0.00254; gnomAD exomes 0.00256 and 0.00268; gnomAD 0.00259 and 0.00268.

Submissions (3):

CeGaT Center for Human Genetics Tuebingen
Classification: Benign. Last evaluated: 2026-09-01. Review status: criteria provided, single submitter. Criteria: CeGaT Center For Human Genetics Tuebingen Variant Classification Criteria Version 2. Collection method: clinical testing. Allele origin: germline. Affected: yes. Observed: 6 variant alleles.
Comment: DNAH7: BS1, BS2

Department of Human Genetics, Hannover Medical School
Classification: Likely pathogenic for Primary Ciliary Dyskinesia. Last evaluated: 2026-04-01. Review status: criteria provided, single submitter. Criteria: ACMG Guidelines, 2015. Collection method: research. Allele origin: germline. Affected: no.
Comment: Classification performed by HerediClassify using the following criteria:['PVS1_protein_very_strong: Transcript ENST00000312428 is predicted to undergo NMD. ']

Labcorp Genetics (formerly Invitae), Labcorp
Classification: Benign. Last evaluated: 2019-08-27. Review status: criteria provided, single submitter. Criteria: Invitae Variant Classification Sherloc (09022015). Collection method: clinical testing. Allele origin: germline.